The following is an entry in ClinVar:

NM_005148.4(UNC119):c.104C>A (p.Ser35Tyr)

Genes: UNC119 (unc-119 lipid binding chaperone; minus strand), LOC130060555 (ATAC-STARR-seq lymphoblastoid silent region 8343; plus strand). Cytogenetic location: 17q11.2.
Variant type: single nucleotide variant.
Coding change: c.104C>A on transcript NM_005148.4 (MANE Select); coding-DNA position 104, C replaced by A.
Protein change: p.Ser35Tyr; replaces serine 35 with tyrosine.
Molecular consequence: missense variant. On other transcripts: 5 prime UTR variant (1).
Genome position (GRCh38, 1-based): chr17:28,552,454, G>T on the plus strand (C>A on the coding strand, the complement: UNC119 is on the minus strand). VCF-style: chr17-28552454-G-T. GRCh37 (hg19) VCF-style: chr17-26879472-G-T.
Other names: c.-210C>A (NM_001330166.2); c.104C>A, p.Ser35Tyr (NM_054035.2); short protein forms S35Y.
Identifiers: ClinVar variation 1964888 (VCV001964888.5), dbSNP rs1192918511, ClinGen allele CA398336342.

ClinVar aggregate classification (germline): Uncertain significance (1 of 4 stars; one submission).

Allele frequency attached by ClinVar (database versions not stated): gnomAD exomes 0.00001.
gnomAD v4.1: 9 of 1,577,908 alleles (0.00057%); highest among the groups gnomAD compares: South Asian, 0.01%; no homozygotes.

Submission:

Labcorp Genetics (formerly Invitae), Labcorp
Classification: Uncertain significance. Last evaluated: 2025-08-20. Review status: criteria provided, single submitter. Criteria: Invitae Variant Classification Sherloc (09022015). Collection method: clinical testing. Allele origin: germline.
Comment: This sequence change replaces serine, which is neutral and polar, with tyrosine, which is neutral and polar, at codon 35 of the UNC119 protein (p.Ser35Tyr). The frequency data for this variant in the population databases is considered unreliable, as metrics indicate poor data quality at this position in the gnomAD database. This variant has not been reported in the literature in individuals affected with UNC119-related conditions. ClinVar contains an entry for this variant (Variation ID: 1964888). An algorithm developed to predict the effect of missense changes on protein structure and function (PolyPhen-2) suggests that this variant is likely to be disruptive. In summary, the available evidence is currently insufficient to determine the role of this variant in disease. Therefore, it has been classified as a Variant of Uncertain Significance.